The following is an entry in ClinVar:

ClinVar aggregate classification (germline): Uncertain significance (0 of 4 stars; one submission).

Conditions:
ABCG5-related disorder. Also called: ABCG5-related condition.

gnomAD v4.1: 1 of 1,609,766 alleles (0.000062%); highest among the groups gnomAD compares: Non-Finnish European, 0.000085%; no homozygotes.

Submission:

PreventionGenetics, part of Exact Sciences
Classification: Uncertain significance for ABCG5-related condition. Last evaluated: 2024-03-22. Review status: no assertion criteria provided. Collection method: clinical testing. Allele origin: germline.
Comment: The ABCG5 c.1701C>A variant is predicted to result in the amino acid substitution p.Phe567Leu. To our knowledge, this variant has not been reported in the literature or in a large population database, indicating this variant is rare. At this time, the clinical significance of this variant is uncertain due to the absence of conclusive functional and genetic evidence.

NM_022436.3(ABCG5):c.1701C>A (p.Phe567Leu)

Genes: ABCG5 (ATP binding cassette subfamily G member 5; minus strand), DYNC2LI1 (dynein cytoplasmic 2 light intermediate chain 1; plus strand). Cytogenetic location: 2p21.
Variant type: single nucleotide variant.
Coding change: c.1701C>A on transcript NM_022436.3 (MANE Select); coding-DNA position 1701, C replaced by A.
Protein change: p.Phe567Leu; replaces phenylalanine 567 with leucine.
Molecular consequence: missense variant. On other transcripts: intron variant (2).
Genome position (GRCh38, 1-based): chr2:43,814,538, G>T on the plus strand (C>A on the coding strand, the complement: ABCG5 is on the minus strand). VCF-style: chr2-43814538-G-T. GRCh37 (hg19) VCF-style: chr2-44041677-G-T.
Other names: c.*15+4014G>T (NM_001348913.2, NM_001348912.2); short protein forms F567L.
Identifiers: ClinVar variation 3348441 (VCV003348441.1).